The following is an entry in ClinVar:

ClinVar aggregate classification (germline): Uncertain significance (1 of 4 stars; one submission).

Submission:

CeGaT Center for Human Genetics Tuebingen
Classification: Uncertain significance. Last evaluated: 2024-12-01. Review status: criteria provided, single submitter. Criteria: CeGaT Center For Human Genetics Tuebingen Variant Classification Criteria Version 2. Collection method: clinical testing. Allele origin: germline. Affected: yes. Observed: 1 variant allele.
Comment: SLC4A11: PM2

NM_001174089.2(SLC4A11):c.2137G>A (p.Val713Met)

Gene: SLC4A11 (solute carrier family 4 member 11; minus strand). Cytogenetic location: 20p13.
Variant type: single nucleotide variant.
Coding change: c.2137G>A on transcript NM_001174089.2 (MANE Select); coding-DNA position 2137, G replaced by A.
Protein change: p.Val713Met; replaces valine 713 with methionine.
Molecular consequence: missense variant. On other transcripts: non-coding transcript variant (3).
Genome position (GRCh38, 1-based): chr20:3,228,893, C>T on the plus strand (G>A on the coding strand, the complement: SLC4A11 is on the minus strand). VCF-style: chr20-3228893-C-T. GRCh37 (hg19) VCF-style: chr20-3209539-C-T.
Other names: c.2266G>A, p.Val756Met (NM_001174090.2); c.2023G>A, p.Val675Met (NM_001363745.2); c.2080G>A, p.Val694Met (NM_001400277.1, NM_001400278.1, NM_001400279.1); c.2152G>A, p.Val718Met (NM_001400280.1); c.2185G>A, p.Val729Met (NM_032034.4); short protein forms V675M, V694M, V713M, V718M, V729M, V756M.
Identifiers: ClinVar variation 3771782 (VCV003771782.13).